The following is an entry in ClinVar:

NM_004360.5(CDH1):c.338A>C (p.Lys113Thr)

Gene: CDH1 (cadherin 1; plus strand). Cytogenetic location: 16q22.1.
Variant type: single nucleotide variant.
Coding change: c.338A>C on transcript NM_004360.5 (MANE Select); coding-DNA position 338, A replaced by C.
Protein change: p.Lys113Thr; replaces lysine 113 with threonine.
Molecular consequence: missense variant. On other transcripts: 5 prime UTR variant (2).
Genome position (GRCh38, 1-based): chr16:68,801,844, A>C. VCF-style: chr16-68801844-A-C. GRCh37 (hg19) VCF-style: chr16-68835747-A-C.
Other names: c.338A>C, p.Lys113Thr (NM_001317184.2); c.-1278A>C (NM_001317185.2); c.-1482A>C (NM_001317186.2); short protein forms K113T.
Identifiers: ClinVar variation 853854 (VCV000853854.14), dbSNP rs1960520003, ClinGen allele CA396457419.

ClinVar aggregate classification (germline): Conflicting classifications of pathogenicity. Review status: criteria provided, conflicting classifications (1 of 4 stars). 3 submissions from 3 submitters: Uncertain significance (2); Likely benign (1). Last evaluated 2026-07-30.

Conditions:
Hereditary cancer-predisposing syndrome. Also called: Tumor predisposition; Hereditary neoplastic syndrome; Neoplastic Syndromes, Hereditary; Hereditary Cancer Syndrome. Identifiers: Orphanet 140162, MedGen C0027672, MeSH D009386, MONDO:0015356.
Hereditary diffuse gastric adenocarcinoma (HDGC). Also called: DIFFUSE GASTRIC AND LOBULAR BREAST CANCER SYNDROME. Identifiers: Orphanet 26106, MedGen C1708349, MONDO:0007648, OMIM 137215.

Allele frequency attached by ClinVar (database versions not stated): gnomAD exomes below 0.00001.
gnomAD v4.1: 1 of 1,614,150 alleles (0.000062%); highest among the groups gnomAD compares: South Asian, 0.0011%; no homozygotes.

Submissions (3):

Ambry Genetics
Classification: Likely benign for Hereditary cancer-predisposing syndrome. Last evaluated: 2026-07-30. Review status: criteria provided, single submitter. Criteria: Ambry Variant Classification Scheme 2023. Collection method: clinical testing. Allele origin: germline.

Color Diagnostics, LLC DBA Color Health
Classification: Uncertain significance for Hereditary cancer-predisposing syndrome. Last evaluated: 2023-12-04. Review status: criteria provided, single submitter. Criteria: ACMG Guidelines, 2015. Collection method: clinical testing. Allele origin: germline.
Comment: This missense variant replaces lysine with threonine at codon 113 of the CDH1 protein. To our knowledge, functional studies have not been reported for this variant. This variant has not been reported in individuals affected with CDH1-related disorders in the literature. This variant has not been identified in the general population by the Genome Aggregation Database (gnomAD). The available evidence is insufficient to determine the role of this variant in disease conclusively. Therefore, this variant is classified as a Variant of Uncertain Significance.

Labcorp Genetics (formerly Invitae), Labcorp
Classification: Uncertain significance for Hereditary diffuse gastric adenocarcinoma. Last evaluated: 2020-12-25. Review status: criteria provided, single submitter. Criteria: Invitae Variant Classification Sherloc (09022015). Collection method: clinical testing. Allele origin: germline.
Comment: Algorithms developed to predict the effect of missense changes on protein structure and function (SIFT, PolyPhen-2, Align-GVGD) all suggest that this variant is likely to be tolerated, but these predictions have not been confirmed by published functional studies and their clinical significance is uncertain. This variant has not been reported in the literature in individuals with CDH1-related conditions. This variant is not present in population databases (ExAC no frequency). This sequence change replaces lysine with threonine at codon 113 of the CDH1 protein (p.Lys113Thr). The lysine residue is moderately conserved and there is a moderate physicochemical difference between lysine and threonine. In summary, the available evidence is currently insufficient to determine the role of this variant in disease. Therefore, it has been classified as a Variant of Uncertain Significance.